The following is an entry in ClinVar:

NM_014363.6(SACS):c.3601C>T (p.Leu1201Phe)

Gene: SACS (sacsin molecular chaperone; minus strand). Cytogenetic location: 13q12.12.
Variant type: single nucleotide variant.
Coding change: c.3601C>T on transcript NM_014363.6 (MANE Select); coding-DNA position 3601, C replaced by T.
Protein change: p.Leu1201Phe; replaces leucine 1201 with phenylalanine.
Molecular consequence: missense variant.
Genome position (GRCh38, 1-based): chr13:23,340,275, G>A on the plus strand (C>T on the coding strand, the complement: SACS is on the minus strand). VCF-style: chr13-23340275-G-A. GRCh37 (hg19) VCF-style: chr13-23914414-G-A.
Other names: c.3160C>T, p.Leu1054Phe (NM_001278055.2); short protein forms L1201F, L1054F.
Identifiers: ClinVar variation 3713865 (VCV003713865.2).

ClinVar aggregate classification (germline): Uncertain significance (1 of 4 stars; one submission).

Conditions:
Spastic paraplegia. Identifiers: MedGen C0037772, HP:0001258.

Submission:

Labcorp Genetics (formerly Invitae), Labcorp
Classification: Uncertain significance for Spastic paraplegia. Last evaluated: 2025-02-12. Review status: criteria provided, single submitter. Criteria: Invitae Variant Classification Sherloc (09022015). Collection method: clinical testing. Allele origin: germline.
Comment: This sequence change replaces leucine, which is neutral and non-polar, with phenylalanine, which is neutral and non-polar, at codon 1201 of the SACS protein (p.Leu1201Phe). This variant is not present in population databases (gnomAD no frequency). This variant has not been reported in the literature in individuals affected with SACS-related conditions. Invitae Evidence Modeling of protein sequence and biophysical properties (such as structural, functional, and spatial information, amino acid conservation, physicochemical variation, residue mobility, and thermodynamic stability) indicates that this missense variant is not expected to disrupt SACS protein function with a negative predictive value of 95%. In summary, the available evidence is currently insufficient to determine the role of this variant in disease. Therefore, it has been classified as a Variant of Uncertain Significance.